The following is an entry in ClinVar:

ClinVar aggregate classification (germline): Likely benign. Review status: reviewed by expert panel (3 of 4 stars). 14 submissions from 14 submitters: Likely benign (1). 13 of the submissions do not count toward it. Last evaluated 2017-06-29.

Conditions:
BRCA2-related disorder. Also called: BRCA2-related condition; BRCA2-related disorders. Identifiers: MedGen CN239275.
Breast and/or ovarian cancer. Identifiers: MedGen CN221562.
Hereditary cancer-predisposing syndrome. Also called: Tumor predisposition; Neoplastic Syndromes, Hereditary; Hereditary Cancer Syndrome; Hereditary neoplastic syndrome. Identifiers: Orphanet 140162, MedGen C0027672, MeSH D009386, MONDO:0015356.
Hereditary breast ovarian cancer syndrome. Also called: Hereditary breast and ovarian cancer; Hereditary breast and ovarian cancer syndrome (HBOC); Breast and ovarian cancer; Hereditary breast and/or ovarian cancer syndrome; BRCA1- and BRCA2-Associated Hereditary Breast and Ovarian Cancer; Hereditary breast and ovarian cancer syndrome. Identifiers: Orphanet 145, MedGen C0677776, MeSH D061325, MONDO:0003582. Disease mechanism: loss of function.
Breast-ovarian cancer, familial, susceptibility to, 2 (BROVCA2). Also called: BRCA2 Hereditary Breast and Ovarian Cancer. Identifiers: Orphanet 145, MedGen C2675520, MONDO:0012933, OMIM 612555. Disease mechanism: loss of function.

Allele frequency attached by ClinVar (database versions not stated): gnomAD 0.00001; gnomAD exomes 0.00001 and 0.00003; TOPMed 0.00001.
gnomAD v4.1: 49 of 1,612,472 alleles (0.003%); highest among the groups gnomAD compares: Non-Finnish European, 0.0041%; no homozygotes.

Submissions (14):

Evidence-based Network for the Interpretation of Germline Mutant Alleles (ENIGMA)
Classification: Likely benign for Breast-ovarian cancer, familial, susceptibility to, 2. Last evaluated: 2017-06-29. Review status: reviewed by expert panel. Criteria: ENIGMA BRCA1/2 Classification Criteria (2017-06-29). Collection method: curation. Allele origin: germline.
Comment: Synonymous substitution variant, with low bioinformatic likelihood to result in a splicing aberration (Splicing prior probability 0.02).

CeGaT Center for Human Genetics Tuebingen
Classification: Likely benign. Last evaluated: 2026-06-01. Review status: criteria provided, single submitter. Criteria: CeGaT Center For Human Genetics Tuebingen Variant Classification Criteria Version 2. Collection method: clinical testing. Allele origin: germline. Affected: yes. Observed: 2 variant alleles. Not counted in ClinVar's aggregate classification.
Comment: BRCA2: BP4, BP7

Labcorp Genetics (formerly Invitae), Labcorp
Classification: Likely benign for Hereditary breast ovarian cancer syndrome. Last evaluated: 2025-12-30. Review status: criteria provided, single submitter. Criteria: Invitae Variant Classification Sherloc (09022015). Collection method: clinical testing. Allele origin: germline. Not counted in ClinVar's aggregate classification.

Institute for Biomarker Research, Medical Diagnostic Laboratories, L.L.C.
Classification: Likely benign for Hereditary breast ovarian cancer syndrome. Last evaluated: 2025-09-02. Review status: criteria provided, single submitter. Criteria: ACMG Guidelines, 2015. Collection method: clinical testing. Allele origin: germline. Not counted in ClinVar's aggregate classification.
Comment: The synonymous variant NM_000059.4(BRCA2):c.1059A>G (p.Ser353=) has been reported to ClinVar as Likely benign with a status of (3 stars) reviewed by expert panel (Variation ID 182279 as of 2025-08-07). The p.Ser353= variant is not predicted to disrupt an existing splice site. The p.Ser353= variant results in a substitution of a base that is not predicted conserved by GERP++ and PhyloP. For these reasons, this variant has been classified as Likely Benign.

All of Us Research Program, National Institutes of Health
Classification: Likely benign for Breast-ovarian cancer, familial, susceptibility to, 2. Last evaluated: 2023-12-01. Review status: criteria provided, single submitter. Criteria: ACMG Guidelines, 2015. Collection method: clinical testing. Allele origin: germline. Inheritance: Autosomal dominant inheritance. Observed: 4 variant alleles, 4 heterozygotes. Not counted in ClinVar's aggregate classification.
Comment: This study involves interpretation of variants in research participants for the purpose of population health screening. Participant phenotype was not available at the time of variant classification. Additional details can be found in publication PMID: 35346344, PMCID: PMC8962531

Blueprint Genetics
Classification: Likely benign. Last evaluated: 2022-09-15. Review status: criteria provided, single submitter. Criteria: ACMG Guidelines, 2015. Collection method: clinical testing. Allele origin: germline. Not counted in ClinVar's aggregate classification.

Sema4
Classification: Likely benign for Hereditary cancer-predisposing syndrome. Last evaluated: 2021-01-28. Review status: criteria provided, single submitter. Criteria: Sema4 Curation Guidelines. Collection method: curation. Allele origin: germline. Not counted in ClinVar's aggregate classification.

CHEO Genetics Diagnostic Laboratory, Children's Hospital of Eastern Ontario
Classification: Likely benign for Breast and/or ovarian cancer. Last evaluated: 2020-10-14. Review status: criteria provided, single submitter. Criteria: ACMG Guidelines, 2015. Collection method: clinical testing. Allele origin: germline. Not counted in ClinVar's aggregate classification.

Quest Diagnostics Nichols Institute San Juan Capistrano
Classification: Likely benign. Last evaluated: 2020-08-03. Review status: criteria provided, single submitter. Criteria: Quest Diagnostics criteria. Collection method: clinical testing. Allele origin: unknown. Not counted in ClinVar's aggregate classification.

Women's Health and Genetics/Laboratory Corporation of America, LabCorp
Classification: Likely benign. Last evaluated: 2019-08-21. Review status: criteria provided, single submitter. Criteria: LabCorp Variant Classification Summary - May 2015. Collection method: clinical testing. Allele origin: germline. Not counted in ClinVar's aggregate classification.

Color Diagnostics, LLC DBA Color Health
Classification: Likely benign for Hereditary cancer-predisposing syndrome. Last evaluated: 2017-12-05. Review status: criteria provided, single submitter. Criteria: ACMG Guidelines, 2015. Collection method: clinical testing. Allele origin: germline. Not counted in ClinVar's aggregate classification.

Ambry Genetics
Classification: Likely benign for Hereditary cancer-predisposing syndrome. Last evaluated: 2014-10-02. Review status: criteria provided, single submitter. Criteria: Ambry Variant Classification Scheme 2023. Collection method: clinical testing. Allele origin: germline. Not counted in ClinVar's aggregate classification.

GeneDx
Classification: Benign. Last evaluated: 2014-09-15. Review status: criteria provided, single submitter. Criteria: GeneDx Variant Classification (06012015). Collection method: clinical testing. Allele origin: germline. Affected: yes. Not counted in ClinVar's aggregate classification.
Comment: This variant is considered likely benign or benign based on one or more of the following criteria: it is a conservative change, it occurs at a poorly conserved position in the protein, it is predicted to be benign by multiple in silico algorithms, and/or has population frequency not consistent with disease.

PreventionGenetics, part of Exact Sciences
Classification: Likely benign for BRCA2-related condition. Last evaluated: 2019-03-23. Review status: no assertion criteria provided. Collection method: clinical testing. Allele origin: germline. Not counted in ClinVar's aggregate classification.
Comment: This variant is classified as likely benign based on ACMG/AMP sequence variant interpretation guidelines (Richards et al. 2015 PMID: 25741868, with internal and published modifications).

NM_000059.4(BRCA2):c.1059A>G (p.Ser353=)

Gene: BRCA2 (BRCA2 DNA repair associated; plus strand). Cytogenetic location: 13q13.1.
Variant type: single nucleotide variant.
Coding change: c.1059A>G on transcript NM_000059.4 (MANE Select); coding-DNA position 1059, A replaced by G.
Protein change: p.Ser353=; no amino-acid change (serine 353 retained).
Molecular consequence: synonymous variant.
Genome position (GRCh38, 1-based): chr13:32,332,537, A>G. VCF-style: chr13-32332537-A-G. GRCh37 (hg19) VCF-style: chr13-32906674-A-G.
Other names: p.S353S:TCA>TCG.
Identifiers: ClinVar variation 182279 (VCV000182279.43), dbSNP rs730881585, ClinGen allele CA010699.